The following is an entry in ClinVar:

NM_013276.4(SHPK):c.1277G>T (p.Arg426Met)

Gene: SHPK (sedoheptulokinase; minus strand). Cytogenetic location: 17p13.2.
Variant type: single nucleotide variant.
Coding change: c.1277G>T on transcript NM_013276.4 (MANE Select); coding-DNA position 1277, G replaced by T.
Protein change: p.Arg426Met; replaces arginine 426 with methionine.
Molecular consequence: missense variant.
Genome position (GRCh38, 1-based): chr17:3,610,720, C>A on the plus strand (G>T on the coding strand, the complement: SHPK is on the minus strand). VCF-style: chr17-3610720-C-A. GRCh37 (hg19) VCF-style: chr17-3514014-C-A.
Other names: short protein forms R426M.
Identifiers: ClinVar variation 1407687 (VCV001407687.8), dbSNP rs781242643, ClinGen allele CA397698171.

ClinVar aggregate classification (germline): Uncertain significance (1 of 4 stars; one submission).

Submission:

Labcorp Genetics (formerly Invitae), Labcorp
Classification: Uncertain significance. Last evaluated: 2022-01-31. Review status: criteria provided, single submitter. Criteria: Invitae Variant Classification Sherloc (09022015). Collection method: clinical testing. Allele origin: germline.
Comment: In summary, the available evidence is currently insufficient to determine the role of this variant in disease. Therefore, it has been classified as a Variant of Uncertain Significance. Algorithms developed to predict the effect of missense changes on protein structure and function are either unavailable or do not agree on the potential impact of this missense change (SIFT: "Deleterious"; PolyPhen-2: "Probably Damaging"; Align-GVGD: "Class C0"). This variant has not been reported in the literature in individuals affected with SHPK-related conditions. This variant is not present in population databases (gnomAD no frequency). This sequence change replaces arginine, which is basic and polar, with methionine, which is neutral and non-polar, at codon 426 of the SHPK protein (p.Arg426Met).